The following is an entry in ClinVar:

ClinVar aggregate classification (germline): Uncertain significance. Review status: criteria provided, multiple submitters, no conflicts (2 of 4 stars). 2 submissions from 2 submitters: Uncertain significance (2). Last evaluated 2025-09-13.

Submissions (2):

Dasa
Classification: Uncertain significance. Last evaluated: 2025-09-13. Review status: criteria provided, single submitter. Criteria: DASA Assertion Criteria. Collection method: clinical testing. Allele origin: germline.
Comment: NM_015001.3(SPEN):c.9223C>G (p.Gln3075Glu) is a missense variant that results in the substitution of glutamine with glutamic acid. This variant is rare in population databases. The currently available literature and clinical evidence are not sufficient to establish a definitive association between this variant and the reported condition. Therefore, this variant is classified as a variant of uncertain significance.

GeneDx
Classification: Uncertain significance. Last evaluated: 2024-01-24. Review status: criteria provided, single submitter. Criteria: GeneDx Variant Classification Process June 2021. Collection method: clinical testing. Allele origin: germline. Affected: yes.
Comment: Not observed at significant frequency in large population cohorts (gnomAD); In silico analysis supports that this missense variant does not alter protein structure/function; Has not been previously published as pathogenic or benign to our knowledge

NM_015001.3(SPEN):c.9223C>G (p.Gln3075Glu)

Gene: SPEN (spen family transcriptional repressor; plus strand). Cytogenetic location: 1p36.13.
Variant type: single nucleotide variant.
Coding change: c.9223C>G on transcript NM_015001.3 (MANE Select); coding-DNA position 9223, C replaced by G.
Protein change: p.Gln3075Glu; replaces glutamine 3075 with glutamic acid.
Molecular consequence: missense variant.
Genome position (GRCh38, 1-based): chr1:15,935,463, C>G. VCF-style: chr1-15935463-C-G. GRCh37 (hg19) VCF-style: chr1-16261958-C-G.
Other names: short protein forms Q3075E.
Identifiers: ClinVar variation 3367722 (VCV003367722.3).